The following is an entry in ClinVar:

ClinVar aggregate classification (germline): Likely pathogenic (3 of 4 stars; one submission).

Conditions:
Phenylketonuria (PKU). Also called: OLIGOPHRENIA PHENYLPYRUVICA; Phenylketonurias; Phenylketonuria (PKU); FOLLING DISEASE. Identifiers: Orphanet 716, MedGen C0031485, MONDO:0009861, OMIM 261600. Disease mechanism: loss of function.

Submission:

ClinGen PAH Variant Curation Expert Panel
Classification: Likely pathogenic for Phenylketonuria. Last evaluated: 2020-05-15. Review status: reviewed by expert panel. Criteria: ClinGen PAH ACMG Specifications v1. Collection method: curation. Allele origin: germline. Inheritance: Autosomal recessive inheritance.
Comment: The c.970-2A>G variant in PAH is a canonical splice-site variant predicted to lead to skipping of exon 10 (PVS1_Strong). It is absent from ethnically diverse control databases, including gnomAD/ExAC, 1000 Genomes, and ESP (PM2). It has been previously reported in one case seen at an inborn errors of metabolism clinic; no further information appears to be given (PMID: 22106832). Classification: Likely Pathogenic Supporting Criteria: PVS1_Strong; PM2

NM_000277.3(PAH):c.970-2A>G

Gene: PAH (phenylalanine hydroxylase; minus strand). Cytogenetic location: 12q23.2.
Variant type: single nucleotide variant.
Coding change: c.970-2A>G on transcript NM_000277.3 (MANE Select); the canonical splice acceptor site of the intron before coding-DNA position 970, A replaced by G.
Molecular consequence: splice acceptor variant.
Genome position (GRCh38, 1-based): chr12:102,844,433, T>C on the plus strand (A>G on the coding strand, the complement: PAH is on the minus strand). VCF-style: chr12-102844433-T-C. GRCh37 (hg19) VCF-style: chr12-103238211-T-C.
Other names: c.970-2A>G (NM_001354304.2).
Identifiers: ClinVar variation 932272 (VCV000932272.1), dbSNP rs62517199, ClinGen allele CA16020909.